The following is an entry in ClinVar:

NM_002473.6(MYH9):c.166G>A (p.Val56Met)

Gene: MYH9 (myosin heavy chain 9; minus strand). Cytogenetic location: 22q12.3.
Variant type: single nucleotide variant.
Coding change: c.166G>A on transcript NM_002473.6 (MANE Select); coding-DNA position 166, G replaced by A.
Protein change: p.Val56Met; replaces valine 56 with methionine.
Molecular consequence: missense variant.
Genome position (GRCh38, 1-based): chr22:36,349,071, C>T on the plus strand (G>A on the coding strand, the complement: MYH9 is on the minus strand). VCF-style: chr22-36349071-C-T. GRCh37 (hg19) VCF-style: chr22-36745116-C-T.
Other names: c.166G>A (NM_002473.4); short protein forms V56M.
Identifiers: ClinVar variation 2628624 (VCV002628624.7), dbSNP rs563932558, ClinGen allele CA323963246.

ClinVar aggregate classification (germline): Uncertain significance. Review status: criteria provided, multiple submitters, no conflicts (2 of 4 stars). 4 submissions from 4 submitters: Uncertain significance (4). Last evaluated 2026-07-07.

Conditions:
MYH9-related disorder. Identifiers: MedGen C1854520.

Allele frequency attached by ClinVar (database versions not stated): TOPMed 0.00004.
gnomAD v4.1: 48 of 1,614,128 alleles (0.003%); highest among the groups gnomAD compares: African/African-American, 0.0053%; no homozygotes.

Submissions (4):

PreventionGenetics, part of Exact Sciences
Classification: Uncertain significance for MYH9-related condition. Last evaluated: 2026-07-07. Review status: criteria provided, single submitter. Criteria: ACMG Guidelines, 2015. Collection method: clinical testing. Allele origin: germline.
Comment: The MYH9 c.166G>A variant is predicted to result in the amino acid substitution p.Val56Met. This variant has been reported in a large-scale study of neurodevelopmental disorders (Table S5 in Wang et al. 2020. PubMed ID: 33004838). This variant is reported in 0.0033% of alleles in individuals of South Asian descent in gnomAD. At this time, the clinical significance of this variant is uncertain due to the absence of conclusive functional and genetic evidence.

Women's Health and Genetics/Laboratory Corporation of America, LabCorp
Classification: Uncertain significance. Last evaluated: 2026-06-11. Review status: criteria provided, single submitter. Criteria: LabCorp Variant Classification Summary - May 2015. Collection method: clinical testing. Allele origin: germline.
Comment: Variant summary: MYH9 c.166G>A (p.Val56Met) results in a conservative amino acid change in the encoded protein sequence. Algorithms developed to predict the effect of missense changes on protein structure and function are either unavailable or do not agree on the potential impact of this missense change. The variant allele was found at a frequency of 1.2e-05 in 251462 control chromosomes. The available data on variant occurrences in the general population are insufficient to allow any conclusion about variant significance. To our knowledge, no occurrence of c.166G>A in individuals affected with MYH9-related conditions and no experimental evidence demonstrating its impact on protein function have been reported. ClinVar contains an entry for this variant (Variation ID: 2628624). Based on the evidence outlined above, the variant was classified as uncertain significance.

GeneDx
Classification: Uncertain significance. Last evaluated: 2024-08-01. Review status: criteria provided, single submitter. Criteria: GeneDx Variant Classification Process June 2021. Collection method: clinical testing. Allele origin: germline. Affected: yes.
Comment: Identified in a cohort of patients with neurodevelopmental disorders in published literature (PMID: 33004838) but additional evidence is not available; In silico analysis supports that this missense variant has a deleterious effect on protein structure/function; This variant is associated with the following publications: (PMID: 33004838)

Labcorp Genetics (formerly Invitae), Labcorp
Classification: Uncertain significance. Last evaluated: 2023-05-24. Review status: criteria provided, single submitter. Criteria: Invitae Variant Classification Sherloc (09022015). Collection method: clinical testing. Allele origin: germline.
Comment: In summary, the available evidence is currently insufficient to determine the role of this variant in disease. Therefore, it has been classified as a Variant of Uncertain Significance. Advanced modeling of protein sequence and biophysical properties (such as structural, functional, and spatial information, amino acid conservation, physicochemical variation, residue mobility, and thermodynamic stability) has been performed at Invitae for this missense variant, however the output from this modeling did not meet the statistical confidence thresholds required to predict the impact of this variant on MYH9 protein function. This variant has not been reported in the literature in individuals affected with MYH9-related conditions. This variant is present in population databases (no rsID available, gnomAD 0.003%). This sequence change replaces valine, which is neutral and non-polar, with methionine, which is neutral and non-polar, at codon 56 of the MYH9 protein (p.Val56Met).